The following is an entry in ClinVar:

NM_001754.5(RUNX1):c.1184C>T (p.Pro395Leu)

Gene: RUNX1 (RUNX family transcription factor 1; minus strand). Cytogenetic location: 21q22.12.
Variant type: single nucleotide variant.
Coding change: c.1184C>T on transcript NM_001754.5 (MANE Select); coding-DNA position 1184, C replaced by T.
Protein change: p.Pro395Leu; replaces proline 395 with leucine.
Molecular consequence: missense variant.
Genome position (GRCh38, 1-based): chr21:34,792,394, G>A on the plus strand (C>T on the coding strand, the complement: RUNX1 is on the minus strand). VCF-style: chr21-34792394-G-A. GRCh37 (hg19) VCF-style: chr21-36164691-G-A.
Other names: NM_001754.4(RUNX1):c.1184C>T; p.Pro395Leu; NM_001754.5(RUNX1):c.1184C>T; c.1103C>T, p.Pro368Leu (NM_001001890.3); short protein forms P395L, P368L.
Identifiers: ClinVar variation 650411 (VCV000650411.16), dbSNP rs868527382, ClinGen allele CA410147836.
Genomic context (GRCh38, chr21:34,792,394, plus strand): 5'-TGGTAGGAGCCGGCCGAGGCGCCGTAGTACAGGTGGTAGGAGGGCGAGCTGGCTTGGAAC[G>A]GGCCTCCCTGCGCTTGCGACGAGCCGGGGTAGGGCGGCGGCAGGTAGGTGTGGTAGCGCG-3'
Protein context (NP_001745.2, residues 385-405): YPGSSQAQGG[Pro395Leu]FQASSPSYHL

ClinVar aggregate classification (germline): Uncertain significance. Review status: reviewed by expert panel (3 of 4 stars). 5 submissions from 5 submitters: Uncertain significance (1). 4 of the submissions do not count toward it. Last evaluated 2025-05-02.

Conditions:
Inborn genetic diseases. Identifiers: MedGen C0950123, MeSH D030342.
Hereditary thrombocytopenia and hematologic cancer predisposition syndrome. Identifiers: Orphanet 71290, MedGen CN281654, MONDO:0011071.
Acute myeloid leukemia (AML). Also called: Acute myeloid leukemia, adult; AML adult; Acute non-lymphocytic leukemia; Acute granulocytic leukemia; Leukemia, acute myeloid, somatic; Leukemia, acute myelogenous, somatic. Identifiers: Orphanet 519, MedGen C0023467, MeSH D015470, MONDO:0018874, OMIM 601626, HP:0004808. Disease mechanism: Constitutively activated FLT3.
Hereditary thrombocytopenia and hematological cancer predisposition syndrome associated with RUNX1. Also called: Familial Platelet Disorder with Propensity to Acute Myelogenous Leukemia; Familial thrombocytopenia with propensity to acute myelogenous leukemia; RUNX1 Familial Platelet Disorder with Associated Myeloid Malignancies; PLATELET DISORDER, ASPIRIN-LIKE. Identifiers: Orphanet 71290, MedGen C1832388, MeSH C563324, MONDO:0100083, OMIM 601399.

Allele frequency attached by ClinVar (database versions not stated): TOPMed 0.00001; gnomAD 0.00003.
gnomAD v4.1: 23 of 1,565,898 alleles (0.0015%); highest among the groups gnomAD compares: Middle Eastern, 0.033%; no homozygotes.

Submissions (5):

ClinGen Myeloid Malignancy Variant Curation Expert Panel
Classification: Uncertain significance for Hereditary thrombocytopenia and hematologic cancer predisposition syndrome. Last evaluated: 2025-05-02. Review status: reviewed by expert panel. Criteria: ClinGen MyeloMalig ACMG Specifications v2. Collection method: curation. Allele origin: germline. Inheritance: Autosomal dominant inheritance.
Comment: NM_001754.5(RUNX1):c.1184C>T (p.Pro395Leu) is a missense variant which does not meet any ACMG/AMP criteria. In summary, the clinical significance of this variant is uncertain. ACMG/AMP criteria applied, as specified by the Myeloid Malignancy Variant Curation Expert Panel for RUNX1: None.

Labcorp Genetics (formerly Invitae), Labcorp
Classification: Uncertain significance for Hereditary thrombocytopenia and hematological cancer predisposition syndrome associated with RUNX1. Last evaluated: 2025-11-11. Review status: criteria provided, single submitter. Criteria: Invitae Variant Classification Sherloc (09022015). Collection method: clinical testing. Allele origin: germline. Not counted in ClinVar's aggregate classification.
Comment: This sequence change replaces proline, which is neutral and non-polar, with leucine, which is neutral and non-polar, at codon 395 of the RUNX1 protein (p.Pro395Leu). The frequency data for this variant in the population databases is considered unreliable, as metrics indicate poor data quality at this position in the gnomAD database. This variant has not been reported in the literature in individuals affected with RUNX1-related conditions. ClinVar contains an entry for this variant (Variation ID: 650411). Invitae Evidence Modeling of protein sequence and biophysical properties (such as structural, functional, and spatial information, amino acid conservation, physicochemical variation, residue mobility, and thermodynamic stability) has been performed for this missense variant. However, the output from this modeling did not meet the statistical confidence thresholds required to predict the impact of this variant on RUNX1 protein function. In summary, the available evidence is currently insufficient to determine the role of this variant in disease. Therefore, it has been classified as a Variant of Uncertain Significance.

Ambry Genetics
Classification: Uncertain significance for Inborn genetic diseases. Last evaluated: 2025-01-09. Review status: criteria provided, single submitter. Criteria: Ambry Variant Classification Scheme 2023. Collection method: clinical testing. Allele origin: germline. Not counted in ClinVar's aggregate classification.
Comment: The p.P395L variant (also known as c.1184C>T), located in coding exon 8 of the RUNX1 gene, results from a C to T substitution at nucleotide position 1184. The proline at codon 395 is replaced by leucine, an amino acid with similar properties. This amino acid position is highly conserved in available vertebrate species. In addition, this alteration is predicted to be tolerated by in silico analysis. Based on the available evidence, the clinical significance of this variant remains unclear.

Baylor Genetics
Classification: Uncertain significance for Acute myeloid leukemia. Last evaluated: 2024-02-19. Review status: criteria provided, single submitter. Criteria: ACMG Guidelines, 2015. Collection method: clinical testing. Allele origin: unknown. Not counted in ClinVar's aggregate classification.

GeneDx
Classification: Uncertain significance. Last evaluated: 2022-06-29. Review status: criteria provided, single submitter. Criteria: GeneDx Variant Classification Process June 2021. Collection method: clinical testing. Allele origin: germline. Affected: yes. Not counted in ClinVar's aggregate classification.
Comment: Not observed at significant frequency in large population cohorts (gnomAD); In silico analysis supports that this missense variant has a deleterious effect on protein structure/function; Has not been previously published as pathogenic or benign to our knowledge